The following is an entry in ClinVar:

NM_001378454.1(ALMS1):c.11413C>A (p.Arg3805=)

Gene: ALMS1 (ALMS1 centrosome and basal body associated protein; plus strand). Cytogenetic location: 2p13.1.
Variant type: single nucleotide variant.
Coding change: c.11413C>A on transcript NM_001378454.1 (MANE Select); coding-DNA position 11413, C replaced by A.
Protein change: p.Arg3805=; no amino-acid change (arginine 3805 retained).
Molecular consequence: synonymous variant.
Genome position (GRCh38, 1-based): chr2:73,573,290, C>A. VCF-style: chr2-73573290-C-A. GRCh37 (hg19) VCF-style: chr2-73800417-C-A.
Other names: c.11416C>A, p.Arg3806= (NM_015120.4).
Identifiers: ClinVar variation 1591619 (VCV001591619.41), dbSNP rs376091780, ClinGen allele CA1715188.

ClinVar aggregate classification (germline): Likely benign. Review status: criteria provided, multiple submitters, no conflicts (2 of 4 stars). 3 submissions from 3 submitters: Likely benign (3). Last evaluated 2022-09-12.

Conditions:
Cardiovascular phenotype. Identifiers: MedGen CN230736.
Alstrom syndrome (ALMS). Identifiers: Orphanet 64, MedGen C0268425, MONDO:0008763, OMIM 203800.

Submissions (3):

Labcorp Genetics (formerly Invitae), Labcorp
Classification: Likely benign for Alstrom syndrome. Last evaluated: 2022-09-12. Review status: criteria provided, single submitter. Criteria: Invitae Variant Classification Sherloc (09022015). Collection method: clinical testing. Allele origin: germline.

CeGaT Center for Human Genetics Tuebingen
Classification: Likely benign. Last evaluated: 2022-05-01. Review status: criteria provided, single submitter. Criteria: CeGaT Center For Human Genetics Tuebingen Variant Classification Criteria Version 2. Collection method: clinical testing. Allele origin: germline. Affected: yes. Observed: 1 variant allele.
Comment: ALMS1: BP4, BP7

Ambry Genetics
Classification: Likely benign for Cardiovascular phenotype. Last evaluated: 2019-06-29. Review status: criteria provided, single submitter. Criteria: Ambry Variant Classification Scheme 2023. Collection method: clinical testing. Allele origin: germline.